The following is an entry in ClinVar:

ClinVar aggregate classification (germline): Pathogenic. Review status: criteria provided, multiple submitters, no conflicts (2 of 4 stars). 2 submissions from 2 submitters: Pathogenic (2). Last evaluated 2024-05-15.

Conditions:
Developmental and epileptic encephalopathy, 9 (DEE9). Also called: Early infantile epileptic encephalopathy 9; EPILEPSY, FEMALE-RESTRICTED, WITH MENTAL RETARDATION; PCDH19-Related X-Linked Female-Limited Epilepsy with Mental Retardation; JUBERG-HELLMAN SYNDROME. Identifiers: Orphanet 101039, Orphanet 2076, MedGen C1848137, MONDO:0010246, OMIM 300088. Disease mechanism: loss of function.

Submissions (2):

Labcorp Genetics (formerly Invitae), Labcorp
Classification: Pathogenic for Developmental and epileptic encephalopathy, 9. Last evaluated: 2024-05-15. Review status: criteria provided, single submitter. Criteria: Invitae Variant Classification Sherloc (09022015). Collection method: clinical testing. Allele origin: germline.
Comment: This sequence change creates a premature translational stop signal (p.Glu287*) in the PCDH19 gene. It is expected to result in an absent or disrupted protein product. Loss-of-function variants in PCDH19 are known to be pathogenic (PMID: 21053371). This variant is not present in population databases (gnomAD no frequency). This premature translational stop signal has been observed in individual(s) with clinical features of PCDH19-related conditions (PMID: 19214208). ClinVar contains an entry for this variant (Variation ID: 447921). For these reasons, this variant has been classified as Pathogenic.

Athena Diagnostics
Classification: Pathogenic. Last evaluated: 2017-02-16. Review status: criteria provided, single submitter. Criteria: Athena Diagnostics Criteria. Collection method: clinical testing. Allele origin: germline.

Literature cited by the submitters: PubMed 21053371 (cited by Labcorp Genetics (formerly Invitae), Labcorp); PubMed 19214208 (cited by Labcorp Genetics (formerly Invitae), Labcorp and Athena Diagnostics).

NM_001184880.2(PCDH19):c.859G>T (p.Glu287Ter)

Gene: PCDH19 (protocadherin 19; minus strand). Cytogenetic location: Xq22.1.
Variant type: single nucleotide variant.
Coding change: c.859G>T on transcript NM_001184880.2 (MANE Select); coding-DNA position 859, G replaced by T.
Protein change: p.Glu287Ter; replaces glutamic acid 287 with a stop codon.
Molecular consequence: nonsense.
Genome position (GRCh38, 1-based): chrX:100,407,739, C>A on the plus strand (G>T on the coding strand, the complement: PCDH19 is on the minus strand). VCF-style: chrX-100407739-C-A. GRCh37 (hg19) VCF-style: chrX-99662737-C-A.
Other names: c.859G>T, p.Glu287Ter (NM_001105243.2, NM_020766.3); short protein forms E287*.
Identifiers: ClinVar variation 447921 (VCV000447921.10), dbSNP rs1555985427, ClinGen allele CA414005164.